The following is an entry in ClinVar:

ClinVar aggregate classification (germline): Uncertain significance (1 of 4 stars; one submission).

Conditions:
Cardiovascular phenotype. Identifiers: MedGen CN230736.

Submission:

Ambry Genetics
Classification: Uncertain significance for Cardiovascular phenotype. Last evaluated: 2025-07-30. Review status: criteria provided, single submitter. Criteria: Ambry Variant Classification Scheme 2023. Collection method: clinical testing. Allele origin: germline.
Comment: The p.N41T variant (also known as c.122A>C), located in coding exon 1 of the KCNE3 gene, results from an A to C substitution at nucleotide position 122. The asparagine at codon 41 is replaced by threonine, an amino acid with similar properties. This amino acid position is conserved. In addition, this alteration is predicted to be tolerated by in silico analysis. Based on the available evidence, the clinical significance of this variant remains unclear.

NM_005472.5(KCNE3):c.122A>C (p.Asn41Thr)

Gene: KCNE3 (potassium voltage-gated channel subfamily E regulatory subunit 3; minus strand). Cytogenetic location: 11q13.4.
Variant type: single nucleotide variant.
Coding change: c.122A>C on transcript NM_005472.5 (MANE Select); coding-DNA position 122, A replaced by C.
Protein change: p.Asn41Thr; replaces asparagine 41 with threonine.
Molecular consequence: missense variant.
Genome position (GRCh38, 1-based): chr11:74,457,442, T>G on the plus strand (A>C on the coding strand, the complement: KCNE3 is on the minus strand). VCF-style: chr11-74457442-T-G. GRCh37 (hg19) VCF-style: chr11-74168487-T-G.
Other names: short protein forms N41T.
Identifiers: ClinVar variation 4090238 (VCV004090238.1).
Genomic context (GRCh38, chr11:74,457,442, plus strand): 5'-ATGTACATGTAGGAGTTGTCATCACGGCCAGGTAGGCTGGCCCGCCTCTCTTCAGTCTGG[T>G]TGTCTGGCCCCAGCCCTGGCCCTGGCCGGCAGAGCAAATTGCTGTGAAGAGTGGCATTTA-3'
Protein context (NP_005463.1, residues 31-51): CRPGPGLGPD[Asn41Thr]QTEERRASLP